The following is an entry in ClinVar:

NM_032119.4(ADGRV1):c.14591G>T (p.Gly4864Val)

Gene: ADGRV1 (adhesion G protein-coupled receptor V1; plus strand). Cytogenetic location: 5q14.3.
Variant type: single nucleotide variant.
Coding change: c.14591G>T on transcript NM_032119.4 (MANE Select); coding-DNA position 14591, G replaced by T.
Protein change: p.Gly4864Val; replaces glycine 4864 with valine.
Molecular consequence: missense variant. On other transcripts: non-coding transcript variant (1).
Genome position (GRCh38, 1-based): chr5:90,802,812, G>T. VCF-style: chr5-90802812-G-T. GRCh37 (hg19) VCF-style: chr5-90098629-G-T.
Other names: short protein forms G4864V.
Identifiers: ClinVar variation 2014231 (VCV002014231.4), dbSNP rs2532114706, ClinGen allele CA360405061.
Genomic context (GRCh38, chr5:90,802,812, plus strand): 5'-TGGGCTCTAATTTCACTTTGCAACTGGTGACTGTGATGCTTGTCGGTGGACGTTTCTATG[G>T]AATGCCAACAATTCTTCAGGAAGCAAAATCTGCTGTCCTTCCAGTCTCTGAGAAAGCTGC-3'
Protein context (NP_115495.3, residues 4854-4874): TVMLVGGRFY[Gly4864Val]MPTILQEAKS

ClinVar aggregate classification (germline): Uncertain significance (1 of 4 stars; one submission).

Submission:

Labcorp Genetics (formerly Invitae), Labcorp
Classification: Uncertain significance. Last evaluated: 2022-07-05. Review status: criteria provided, single submitter. Criteria: Invitae Variant Classification Sherloc (09022015). Collection method: clinical testing. Allele origin: germline.
Comment: In summary, the available evidence is currently insufficient to determine the role of this variant in disease. Therefore, it has been classified as a Variant of Uncertain Significance. Algorithms developed to predict the effect of missense changes on protein structure and function are either unavailable or do not agree on the potential impact of this missense change (SIFT: "Tolerated"; PolyPhen-2: "Probably Damaging"; Align-GVGD: "Class C0"). This variant has not been reported in the literature in individuals affected with ADGRV1-related conditions. This variant is not present in population databases (gnomAD no frequency). This sequence change replaces glycine, which is neutral and non-polar, with valine, which is neutral and non-polar, at codon 4864 of the ADGRV1 protein (p.Gly4864Val).